The following is an entry in ClinVar:

ClinVar aggregate classification (germline): Conflicting classifications of pathogenicity. Review status: criteria provided, conflicting classifications (1 of 4 stars). 2 submissions from 2 submitters: Uncertain significance (1); Likely benign (1). Last evaluated 2025-08-06.

Allele frequency attached by ClinVar (database versions not stated): ExAC 0.00005; gnomAD exomes 0.00007; gnomAD 0.00010; ESP Exome Variant Server 0.00015; 1000 Genomes Project 30x 0.00031; 1000 Genomes Project 0.00040.
gnomAD v4.1: 109 of 1,573,292 alleles (0.0069%); highest among the groups gnomAD compares: Middle Eastern, 0.017%; no homozygotes.

Submissions (2):

Ambry Genetics
Classification: Uncertain significance. Last evaluated: 2025-08-06. Review status: criteria provided, single submitter. Criteria: Ambry Variant Classification Scheme 2023. Collection method: clinical testing. Allele origin: germline.

CeGaT Center for Human Genetics Tuebingen
Classification: Likely benign. Last evaluated: 2023-04-01. Review status: criteria provided, single submitter. Criteria: CeGaT Center For Human Genetics Tuebingen Variant Classification Criteria Version 2. Collection method: clinical testing. Allele origin: germline. Affected: yes. Observed: 1 variant allele.
Comment: TLE6: BP4

NM_001143986.2(TLE6):c.1519G>A (p.Val507Ile)

Gene: TLE6 (TLE family member 6, subcortical maternal complex member; plus strand). Cytogenetic location: 19p13.3.
Variant type: single nucleotide variant.
Coding change: c.1519G>A on transcript NM_001143986.2 (MANE Select); coding-DNA position 1519, G replaced by A.
Protein change: p.Val507Ile; replaces valine 507 with isoleucine.
Molecular consequence: missense variant.
Genome position (GRCh38, 1-based): chr19:2,993,564, G>A. VCF-style: chr19-2993564-G-A. GRCh37 (hg19) VCF-style: chr19-2993562-G-A.
Other names: c.1519G>A (NM_001143986.1); c.1150G>A, p.Val384Ile (NM_024760.3); short protein forms V384I, V507I.
Identifiers: ClinVar variation 2571025 (VCV002571025.28), dbSNP rs139657057, ClinGen allele CA9073123.